The following is an entry in ClinVar:

NM_000507.4(FBP1):c.345G>A (p.Val115=)

Gene: FBP1 (fructose-bisphosphatase 1; minus strand). Cytogenetic location: 9q22.32.
Variant type: single nucleotide variant.
Coding change: c.345G>A on transcript NM_000507.4 (MANE Select); coding-DNA position 345, G replaced by A.
Protein change: p.Val115=; no amino-acid change (valine 115 retained).
Molecular consequence: synonymous variant.
Genome position (GRCh38, 1-based): chr9:94,617,849, C>T on the plus strand (G>A on the coding strand, the complement: FBP1 is on the minus strand). VCF-style: chr9-94617849-C-T. GRCh37 (hg19) VCF-style: chr9-97380131-C-T.
Other names: p.Val115=; c.345G>A, p.Val115= (NM_001127628.2).
Identifiers: ClinVar variation 377874 (VCV000377874.6), dbSNP rs61753273, ClinGen allele CA5136268.
Genomic context (GRCh38, chr9:94,617,849, plus strand): 5'-GGTTCCAACGGACACAAGGCAATCGATGTTGGAAGATCCATCAAGGGGATCAAAACAGAC[C>T]ACATATTTACCCTGAGCACAGAAAAAAGAAATACAACCTTAAAATGTTATAGCAAGATAC-3'
Protein context (NP_000498.2, residues 105-125): IVEPEKRGKY[Val115=]VCFDPLDGSS

ClinVar aggregate classification (germline): Benign/Likely benign. Review status: criteria provided, multiple submitters, no conflicts (2 of 4 stars). 4 submissions from 4 submitters: Benign (1); Likely benign (3). Last evaluated 2026-01-25.

Conditions:
Fructose-biphosphatase deficiency (FBP1D). Also called: Fructose 1,6 Bisphosphatase Deficiency; Fructose-1,6-Bisphosphatase 1 Deficiency; Fructose-1,6-Diphosphatase Deficiency. Identifiers: Orphanet 348, MedGen C0016756, MONDO:0009251, OMIM 229700.

Allele frequency attached by ClinVar (database versions not stated): 1000 Genomes Project 0.00080; gnomAD exomes 0.00016 and 0.00007; ExAC 0.00026; gnomAD 0.00072 and 0.00078; TOPMed 0.00078; 1000 Genomes Project 30x 0.00062; ESP Exome Variant Server 0.00115.
gnomAD v4.1: 227 of 1,612,330 alleles (0.014%); highest among the groups gnomAD compares: African/African-American, 0.25%; 1 homozygote.

Submissions (4):

Labcorp Genetics (formerly Invitae), Labcorp
Classification: Benign for Fructose-biphosphatase deficiency. Last evaluated: 2026-01-25. Review status: criteria provided, single submitter. Criteria: Invitae Variant Classification Sherloc (09022015). Collection method: clinical testing. Allele origin: germline.

Mayo Clinic Laboratories, Mayo Clinic
Classification: Likely benign. Last evaluated: 2025-11-20. Review status: criteria provided, single submitter. Criteria: ACMG Guidelines, 2015. Collection method: clinical testing. Allele origin: germline. Observed: 3 variant alleles.
Comment: BS1, BP4, BP7

GeneDx
Classification: Likely benign. Last evaluated: 2016-11-07. Review status: criteria provided, single submitter. Criteria: GeneDx Variant Classification (06012015). Collection method: clinical testing. Allele origin: germline. Affected: yes.
Comment: This variant is considered likely benign or benign based on one or more of the following criteria: it is a conservative change, it occurs at a poorly conserved position in the protein, it is predicted to be benign by multiple in silico algorithms, and/or has population frequency not consistent with disease.

Breakthrough Genomics
Classification: Likely benign. Review status: criteria provided, single submitter. Criteria: ACMG Guidelines, 2015. Collection method: not provided. Allele origin: germline. Inheritance: Autosomal recessive inheritance. Affected: yes.